The following is an entry in ClinVar:

ClinVar aggregate classification (germline): Uncertain significance (1 of 4 stars; one submission).

Conditions:
Ataxia-telangiectasia syndrome (AT). Also called: Ataxia-telangiectasia, complementation group D; AT, COMPLEMENTATION GROUP C; ATAXIA-TELANGIECTASIA, COMPLEMENTATION GROUP A; ATAXIA-TELANGIECTASIA, FRESNO VARIANT; Ataxia-telangiectasia; Ataxia telangiectasia (A-T). Identifiers: Orphanet 100, MedGen C0004135, MONDO:0008840, OMIM 208900.

Submission:

Labcorp Genetics (formerly Invitae), Labcorp
Classification: Uncertain significance for Ataxia-telangiectasia syndrome. Last evaluated: 2019-06-19. Review status: criteria provided, single submitter. Criteria: Invitae Variant Classification Sherloc (09022015). Collection method: clinical testing. Allele origin: germline.
Comment: This sequence change falls in intron 59 of the ATM gene. It does not directly change the encoded amino acid sequence of the ATM protein. This variant is not present in population databases (ExAC no frequency). This variant has not been reported in the literature in individuals with ATM-related conditions. Algorithms developed to predict the effect of sequence changes on RNA splicing suggest that this variant may disrupt the consensus splice site, but this prediction has not been confirmed by published transcriptional studies. In summary, the available evidence is currently insufficient to determine the role of this variant in disease. Therefore, it has been classified as a Variant of Uncertain Significance.

NM_000051.4(ATM):c.8672-11_8672-5delinsAA

Genes: ATM (ATM serine/threonine kinase; plus strand), C11orf65 (chromosome 11 open reading frame 65; minus strand). Cytogenetic location: 11q22.3.
Variant type: Indel.
Coding change: c.8672-11_8672-5delinsAA on transcript NM_000051.4 (MANE Select); 11 bases into the intron before coding-DNA position 8672 through 5 bases into the intron before coding-DNA position 8672, CTTTACT replaced by AA.
Molecular consequence: intron variant.
Genome position (GRCh38, 1-based): chr11:108,353,755-108,353,761, CTTTACT replaced by AA. VCF-style: chr11-108353755-CTTTACT-AA. GRCh37 (hg19) VCF-style: chr11-108224482-CTTTACT-AA.
Other names: c.8672-11_8672-5delinsAA (NM_001351834.2); c.640+32159_640+32165delinsTT (NM_001330368.2); c.695-18469_695-18463delinsTT (NM_001351110.2).
Identifiers: ClinVar variation 952058 (VCV000952058.10), dbSNP rs2089488486, ClinGen allele CA1139662208.